The following is an entry in ClinVar:

NM_007294.4(BRCA1):c.2472_2490delinsGTAT (p.Asn824_Lys830delinsLysTyr)

Gene: BRCA1 (BRCA1 DNA repair associated; minus strand). Cytogenetic location: 17q21.31.
Variant type: Indel.
Coding change: c.2472_2490delinsGTAT on transcript NM_007294.4 (MANE Select); coding-DNA positions 2472 to 2490, TGACACAGAAGGCTTTAAG replaced by GTAT.
Protein change: p.Asn824_Lys830delinsLysTyr.
Molecular consequence: inframe indel. On other transcripts: intron variant (137).
Genome position (GRCh38, 1-based): chr17:43,093,041-43,093,059, CTTAAAGCCTTCTGTGTCA replaced by ATAC on the plus strand (TGACACAGAAGGCTTTAAG replaced by GTAT on the coding strand, the reverse complement: BRCA1 is on the minus strand). VCF-style: chr17-43093041-CTTAAAGCCTTCTGTGTCA-ATAC. GRCh37 (hg19) VCF-style: chr17-41245058-CTTAAAGCCTTCTGTGTCA-ATAC.
Other names: c.2259_2277delinsGTAT, p.Asn753_Lys759delinsLysTyr (NM_001407571.1, NM_001407853.1, NM_001407894.1 and 9 more transcripts); c.2472_2490delinsGTAT, p.Asn824_Lys830delinsLysTyr (NM_001407581.1, NM_001407582.1, NM_001407583.1 and 30 more transcripts); c.2469_2487delinsGTAT, p.Asn823_Lys829delinsLysTyr (NM_001407587.1, NM_001407590.1, NM_001407591.1 and 22 more transcripts); c.2463_2481delinsGTAT, p.Asn821_Lys827delinsLysTyr (NM_001407646.1, NM_001407647.1); c.2349_2367delinsGTAT, p.Asn783_Lys789delinsLysTyr (NM_001407648.1, NM_001407664.1, NM_001407665.1 and 19 more transcripts); c.2346_2364delinsGTAT, p.Asn782_Lys788delinsLysTyr (NM_001407649.1, NM_001407670.1, NM_001407671.1 and 11 more transcripts); c.2394_2412delinsGTAT, p.Asn798_Lys804delinsLysTyr (NM_001407653.1, NM_001407654.1, NM_001407655.1 and 4 more transcripts); c.2391_2409delinsGTAT, p.Asn797_Lys803delinsLysTyr (NM_001407659.1, NM_001407660.1, NM_001407661.1 and 1 more transcripts); and 41 more.
Identifiers: ClinVar variation 965018 (VCV000965018.12), dbSNP rs2053751699, ClinGen allele CA1139664775.

ClinVar aggregate classification (germline): Uncertain significance. Review status: criteria provided, multiple submitters, no conflicts (2 of 4 stars). 4 submissions from 4 submitters: Uncertain significance (4). Last evaluated 2025-08-13.

Conditions:
Hereditary cancer-predisposing syndrome. Also called: Tumor predisposition; Neoplastic Syndromes, Hereditary; Hereditary neoplastic syndrome; Hereditary Cancer Syndrome. Identifiers: Orphanet 140162, MedGen C0027672, MeSH D009386, MONDO:0015356.
Hereditary breast ovarian cancer syndrome. Also called: Hereditary breast and ovarian cancer; Hereditary breast and ovarian cancer syndrome (HBOC); Hereditary breast and/or ovarian cancer syndrome; Hereditary breast and ovarian cancer syndrome; Breast and ovarian cancer; BRCA1- and BRCA2-Associated Hereditary Breast and Ovarian Cancer. Identifiers: Orphanet 145, MedGen C0677776, MeSH D061325, MONDO:0003582. Disease mechanism: loss of function.
BRCA1-related cancer predisposition. Identifiers: MedGen CN377757, MONDO:0700268.

Submissions (4):

Ambry Genetics
Classification: Uncertain significance for Hereditary cancer-predisposing syndrome. Last evaluated: 2025-08-13. Review status: criteria provided, single submitter. Criteria: Ambry Variant Classification Scheme 2023. Collection method: clinical testing. Allele origin: germline.
Comment: The c.2472_2490del19insGTAT variant (also known as p.N824_K830delinsKY), located in coding exon 9 of the BRCA1 gene, results from an in-frame deletion of TGACACAGAAGGCTTTAAG and insertion of GTAT at nucleotide positions 2472 to 2490. This results in the substitution of 7 amino acid residues at codons 824-830 for a lysine and tyrosine residue at codon 824 and 825. This amino acid region is well conserved in available vertebrate species. In addition, this variant is predicted to be deleterious by in silico analysis (Choi Y et al. PLoS ONE. 2012; 7(10):e46688). Based on the available evidence, the clinical significance of this variant remains unclear.

All of Us Research Program, National Institutes of Health
Classification: Uncertain significance for BRCA1-related cancer predisposition. Last evaluated: 2024-06-09. Review status: criteria provided, single submitter. Criteria: ACMG Guidelines, 2015. Collection method: clinical testing. Allele origin: germline. Inheritance: Autosomal dominant inheritance. Observed: 1 variant allele, 1 heterozygote.
Comment: This variant causes an overlapping 19-basepair deletion and 4-basepair insertion, resulting in the substitution of p.Asn824_Lys830 with lysine and tyrosine in the BRCA1 protein. To our knowledge, functional studies have not been reported for this variant. This variant has not been reported in individuals affected with BRCA1-related disorders in the literature. This variant has not been identified in the general population by the Genome Aggregation Database (gnomAD). The available evidence is insufficient to determine the role of this variant in disease conclusively. Therefore, this variant is classified as a Variant of Uncertain Significance.

This study involves interpretation of variants in research participants for the purpose of population health screening. Participant phenotype was not available at the time of variant classification. Additional details can be found in publication PMID: 35346344, PMCID: PMC8962531

Genetic Services Laboratory, University of Chicago
Classification: Uncertain significance. Last evaluated: 2024-03-14. Review status: criteria provided, single submitter. Criteria: ACMG Guidelines, 2015. Collection method: clinical testing. Allele origin: germline. Affected: no.
Comment: DNA sequence analysis of the BRCA1 gene demonstrated a deletion and insertion of 4 base pairs in exon 10, c.2472_2490delinsGTAT. This in-frame deletion-insertion results in the deletion of 2 amino acid residues and the insertion of 2 amino acids, p.Asn824_Lys830delinsLysTyr. This sequence change does not appear to have been previously described in individuals with BRCA1-related disorders and has also not been described in the population databases such as ExAC and gnomAD. The functional significance of this sequence change is not known at present and its contribution to this individual's disease phenotype cannot definitively be determined.

Labcorp Genetics (formerly Invitae), Labcorp
Classification: Uncertain significance for Hereditary breast ovarian cancer syndrome. Last evaluated: 2021-08-03. Review status: criteria provided, single submitter. Criteria: Invitae Variant Classification Sherloc (09022015). Collection method: clinical testing. Allele origin: germline.
Comment: In summary, the available evidence is currently insufficient to determine the role of this variant in disease. Therefore, it has been classified as a Variant of Uncertain Significance. Experimental studies and prediction algorithms are not available or were not evaluated, and the functional significance of this variant is currently unknown. This variant has not been reported in the literature in individuals with BRCA1-related conditions. ClinVar contains an entry for this variant (Variation ID: 965018). This variant is not present in population databases (ExAC no frequency). This variant, c.2472_2490delinsGTAT, is a complex sequence change that results in the deletion of 7 and insertion of 2 amino acid(s) in the BRCA1 protein (p.Asn824_Lys830delinsLysTyr).